The following is an entry in ClinVar:

NM_015378.4(VPS13D):c.3872T>C (p.Leu1291Ser)

Gene: VPS13D (vacuolar protein sorting 13 homolog D; plus strand). Cytogenetic location: 1p36.22.
Variant type: single nucleotide variant.
Coding change: c.3872T>C on transcript NM_015378.4 (MANE Select); coding-DNA position 3872, T replaced by C.
Protein change: p.Leu1291Ser; replaces leucine 1291 with serine.
Molecular consequence: missense variant.
Genome position (GRCh38, 1-based): chr1:12,277,460, T>C. VCF-style: chr1-12277460-T-C. GRCh37 (hg19) VCF-style: chr1-12337517-T-C.
Other names: c.3872T>C, p.Leu1291Ser (NM_018156.4); short protein forms L1291S.
Identifiers: ClinVar variation 1965521 (VCV001965521.2), dbSNP rs2524026684, ClinGen allele CA338476863.

ClinVar aggregate classification (germline): Uncertain significance (1 of 4 stars; one submission).

Allele frequency attached by ClinVar (database versions not stated): gnomAD exomes below 0.00001.
gnomAD v4.1: 4 of 1,614,182 alleles (0.00025%); highest among the groups gnomAD compares: Admixed American, 0.0017%; no homozygotes.

Submission:

Labcorp Genetics (formerly Invitae), Labcorp
Classification: Uncertain significance. Last evaluated: 2022-08-21. Review status: criteria provided, single submitter. Criteria: Invitae Variant Classification Sherloc (09022015). Collection method: clinical testing. Allele origin: germline.
Comment: This sequence change replaces leucine, which is neutral and non-polar, with serine, which is neutral and polar, at codon 1291 of the VPS13D protein (p.Leu1291Ser). This variant is not present in population databases (gnomAD no frequency). This variant has not been reported in the literature in individuals affected with VPS13D-related conditions. Algorithms developed to predict the effect of missense changes on protein structure and function are either unavailable or do not agree on the potential impact of this missense change (SIFT: "Not Available"; PolyPhen-2: "Probably Damaging"; Align-GVGD: "Not Available"). In summary, the available evidence is currently insufficient to determine the role of this variant in disease. Therefore, it has been classified as a Variant of Uncertain Significance.